The following is an entry in ClinVar:

ClinVar aggregate classification (germline): Pathogenic. Review status: criteria provided, single submitter (1 of 4 stars). 2 submissions from 1 submitter: Pathogenic (1). 1 of the submissions does not count toward it. Last evaluated 2022-12-14.

Conditions:
Autosomal recessive ataxia, Beauce type. Also called: ATAXIA, RECESSIVE, OF BEAUCE; Spinocerebellar ataxia, autosomal recessive 8; SYNE1-Related Autosomal Recessive Cerebellar Ataxia; SYNE1 Deficiency. Identifiers: Orphanet 88644, MedGen C1853116, MONDO:0012549, OMIM 610743.
Emery-Dreifuss muscular dystrophy 4, autosomal dominant (EDMD4). Also called: EMERY-DREIFUSS MUSCULAR DYSTROPHY 4 WITH VARIABLE FEATURES. Identifiers: Orphanet 261, MedGen C2751807, MONDO:0013071, OMIM 612998.
Arthrogryposis multiplex congenita 3, myogenic type. Also called: ARTHROGRYPOSIS MULTIPLEX CONGENITA, MYOGENIC TYPE. Identifiers: MedGen C5193121, MONDO:0032778, OMIM 618484.

Submissions (2):

Neurology Laboratory, National Cheng Kung University Hospital
Classification: Pathogenic for Autosomal recessive ataxia, Beauce type. Last evaluated: 2022-12-14. Review status: criteria provided, single submitter. Criteria: ACMG Guidelines, 2015. Collection method: clinical testing, in vitro. Allele origin: unknown. Affected: yes. Observed: 1 variant allele.

Neurology Laboratory, National Cheng Kung University Hospital
Classification: Likely pathogenic for Arthrogryposis multiplex congenita 3, myogenic type; Emery-Dreifuss muscular dystrophy 4, autosomal dominant; Autosomal recessive ataxia, Beauce type. Last evaluated: 2021-08-16. Review status: no assertion criteria provided. Collection method: research. Allele origin: germline. Affected: yes. Not counted in ClinVar's aggregate classification.
Comment: This sequence change results in a frameshift in the SYNE1 gene (p.Met5531Cysfs*18), which may lead to abnormal gene function. It is classified as likely pathogenic according to ACMG criteria.

frameshift variant, Homozygote

NM_182961.4(SYNE1):c.16804del (p.Met5602fs)

Genes: SYNE1 (spectrin repeat containing nuclear envelope protein 1; minus strand), LOC126859837 (BRD4-independent group 4 enhancer GRCh37_chr6:152630775-152631974; plus strand). Cytogenetic location: 6q25.2.
Variant type: Deletion.
Coding change: c.16804del on transcript NM_182961.4 (MANE Select); coding-DNA position 16804, one base deleted (A; older notation c.16804delA).
Protein change: p.Met5602fs; shifts the reading frame from methionine 5602.
Molecular consequence: frameshift variant.
Genome position (GRCh38, 1-based): chr6:152,310,780, T deleted on the plus strand (A on the coding strand, the reverse complement: SYNE1 is on the minus strand); the first of 6 consecutive T bases (chr6:152,310,780-152,310,785); deleting any one gives the same sequence. VCF-style (leftmost placement, unchanged base first): chr6-152310779-AT-A. GRCh37 (hg19) VCF-style: chr6-152631914-AT-A.
Other names: c.16591del, p.Met5531fs (NM_033071.5); short protein forms M5531fs, M5602fs.
Identifiers: ClinVar variation 2573228 (VCV002573228.3), dbSNP rs1368275632, ClinGen allele CA571141293.